The following is an entry in ClinVar:

ClinVar aggregate classification (germline): Uncertain significance (1 of 4 stars; one submission).

Conditions:
Familial adenomatous polyposis 1 (FAP1). Also called: FAMILIAL ADENOMATOUS POLYPOSIS 1, ATTENUATED; POLYPOSIS, ADENOMATOUS INTESTINAL. Identifiers: MedGen C2713442, MONDO:0021056, OMIM 175100. Disease mechanism: loss of function.

Submission:

Labcorp Genetics (formerly Invitae), Labcorp
Classification: Uncertain significance for Familial adenomatous polyposis 1. Last evaluated: 2020-08-11. Review status: criteria provided, single submitter. Criteria: Invitae Variant Classification Sherloc (09022015). Collection method: clinical testing. Allele origin: germline.
Comment: This sequence change replaces aspartic acid with histidine at codon 1565 of the APC protein (p.Asp1565His). The aspartic acid residue is highly conserved and there is a moderate physicochemical difference between aspartic acid and histidine. This variant is not present in population databases (ExAC no frequency). This variant has not been reported in the literature in individuals with APC-related conditions. Algorithms developed to predict the effect of missense changes on protein structure and function are either unavailable or do not agree on the potential impact of this missense change (SIFT: "Deleterious"; PolyPhen-2: "Probably Damaging"; Align-GVGD: "Class C0"). In summary, the available evidence is currently insufficient to determine the role of this variant in disease. Therefore, it has been classified as a Variant of Uncertain Significance.

NM_000038.6(APC):c.4693G>C (p.Asp1565His)

Gene: APC (APC regulator of Wnt signaling pathway; plus strand). Cytogenetic location: 5q22.2.
Variant type: single nucleotide variant.
Coding change: c.4693G>C on transcript NM_000038.6 (MANE Select); coding-DNA position 4693, G replaced by C.
Protein change: p.Asp1565His; replaces aspartic acid 1565 with histidine.
Molecular consequence: missense variant.
Genome position (GRCh38, 1-based): chr5:112,840,287, G>C. VCF-style: chr5-112840287-G-C. GRCh37 (hg19) VCF-style: chr5-112175984-G-C.
Other names: c.4693G>C, p.Asp1565His (NM_001127510.3, NM_001354895.2); c.4639G>C, p.Asp1547His (NM_001127511.3); c.4747G>C, p.Asp1583His (NM_001354896.2); c.4723G>C, p.Asp1575His (NM_001354897.2); c.4618G>C, p.Asp1540His (NM_001354898.2); c.4609G>C, p.Asp1537His (NM_001354899.2); c.4570G>C, p.Asp1524His (NM_001354900.2); c.4516G>C, p.Asp1506His (NM_001354901.2); and 5 more; short protein forms D1282H, D1405H, D1439H, D1464H, D1474H, D1506H, D1524H, D1537H.
Identifiers: ClinVar variation 1006247 (VCV001006247.10), dbSNP rs767138124, ClinGen allele CA16031620.